The following is an entry in ClinVar:

NM_002198.3(IRF1):c.667+77A>C

Genes: IRF1 (interferon regulatory factor 1; minus strand), LOC126807508 (CDK7 strongly-dependent group 2 enhancer GRCh37_chr5:131821689-131822888; plus strand). Cytogenetic location: 5q31.1.
Variant type: single nucleotide variant.
Coding change: c.667+77A>C on transcript NM_002198.3 (MANE Select); 77 bases into the intron after coding-DNA position 667, A replaced by C.
Molecular consequence: intron variant.
Genome position (GRCh38, 1-based): chr5:132,486,174, T>G on the plus strand (A>C on the coding strand, the complement: IRF1 is on the minus strand). VCF-style: chr5-132486174-T-G. GRCh37 (hg19) VCF-style: chr5-131821866-T-G.
Other names: c.544+383A>C (NM_001354924.1); c.667+77A>C (NM_001354925.1).
Identifiers: ClinVar variation 2688385 (VCV002688385.2), dbSNP rs10214312, ClinGen allele CA3404508.
Genomic context (GRCh38, chr5:132,486,174, plus strand): 5'-ATGGTGGCTAAGACTGGGCAATGCCCAACTCAATCAATTCAGTGCCAGGTGGAGTTCTGA[T>G]CATCTTTTCTCTCTCAGGAAGCCCTTCACAGGACCCAGACAGTCAAGCAGGCAGGCCAGG-3'

ClinVar aggregate classification (germline): Benign (1 of 4 stars; one submission).

Allele frequency attached by ClinVar (database versions not stated): gnomAD exomes 0.34039; ExAC 0.36116; gnomAD 0.38043; TOPMed 0.38224; 1000 Genomes Project 30x 0.40334; 1000 Genomes Project 0.40655.
gnomAD v4.1: 540,485 of 1,569,128 alleles (34%); highest among the groups gnomAD compares: African/African-American, 49%; 94,812 homozygotes.

Submission:

Unidad de Genómica Garrahan, Hospital de Pediatría Garrahan
Classification: Benign. Last evaluated: 2024-01-24. Review status: criteria provided, single submitter. Criteria: ACMG Guidelines, 2015. Collection method: clinical testing. Allele origin: germline. Affected: no. Observed: 57 variant alleles.
Comment: This variant is classified as Benign based on local population frequency. This variant was detected in 65% of patients studied by a panel of primary immunodeficiencies. Number of patients: 57. Only high quality variants are reported.